The following is an entry in ClinVar:

ClinVar aggregate classification (germline): Uncertain significance (1 of 4 stars; one submission).

Submission:

CeGaT Center for Human Genetics Tuebingen
Classification: Uncertain significance. Last evaluated: 2024-04-01. Review status: criteria provided, single submitter. Criteria: CeGaT Center For Human Genetics Tuebingen Variant Classification Criteria Version 2. Collection method: clinical testing. Allele origin: germline. Affected: yes. Observed: 1 variant allele.
Comment: NKX2-5: PM2, PS2:Moderate, PP3

NM_004387.4(NKX2-5):c.463C>T (p.Arg155Trp)

Gene: NKX2-5 (NK2 homeobox 5; minus strand). Cytogenetic location: 5q35.1.
Variant type: single nucleotide variant.
Coding change: c.463C>T on transcript NM_004387.4 (MANE Select); coding-DNA position 463, C replaced by T.
Protein change: p.Arg155Trp; replaces arginine 155 with tryptophan.
Molecular consequence: missense variant. On other transcripts: 3 prime UTR variant (2).
Genome position (GRCh38, 1-based): chr5:173,233,081, G>A on the plus strand (C>T on the coding strand, the complement: NKX2-5 is on the minus strand). VCF-style: chr5-173233081-G-A. GRCh37 (hg19) VCF-style: chr5-172660084-G-A.
Other names: c.*416C>T (NM_001166175.2); c.*262C>T (NM_001166176.2); short protein forms R155W.
Identifiers: ClinVar variation 3234659 (VCV003234659.20), dbSNP rs1390948213, ClinGen allele CA362161812.